The following is an entry in ClinVar:

ClinVar aggregate classification (germline): Uncertain significance (1 of 4 stars; one submission).

Conditions:
Baller-Gerold syndrome (BGS). Also called: CRANIOSYNOSTOSIS WITH RADIAL DEFECTS. Identifiers: Orphanet 1225, MedGen C0265308, MONDO:0009039, OMIM 218600.

Allele frequency attached by ClinVar (database versions not stated): gnomAD 0.00001; gnomAD exomes 0.00001; TOPMed 0.00003.
gnomAD v4.1: 6 of 1,612,792 alleles (0.00037%); highest among the groups gnomAD compares: African/African-American, 0.008%; no homozygotes.

Submission:

Labcorp Genetics (formerly Invitae), Labcorp
Classification: Uncertain significance for Baller-Gerold syndrome. Last evaluated: 2025-04-28. Review status: criteria provided, single submitter. Criteria: Invitae Variant Classification Sherloc (09022015). Collection method: clinical testing. Allele origin: germline.
Comment: This sequence change replaces lysine, which is basic and polar, with threonine, which is neutral and polar, at codon 400 of the RECQL4 protein (p.Lys400Thr). This variant is present in population databases (no rsID available, gnomAD 0.01%). This variant has not been reported in the literature in individuals affected with RECQL4-related conditions. ClinVar contains an entry for this variant (Variation ID: 863879). Invitae Evidence Modeling of protein sequence and biophysical properties (such as structural, functional, and spatial information, amino acid conservation, physicochemical variation, residue mobility, and thermodynamic stability) indicates that this missense variant is not expected to disrupt RECQL4 protein function with a negative predictive value of 80%. In summary, the available evidence is currently insufficient to determine the role of this variant in disease. Therefore, it has been classified as a Variant of Uncertain Significance.

NM_004260.4(RECQL4):c.1199A>C (p.Lys400Thr)

Gene: RECQL4 (RecQ like helicase 4; minus strand). Cytogenetic location: 8q24.3.
Variant type: single nucleotide variant.
Coding change: c.1199A>C on transcript NM_004260.4 (MANE Select); coding-DNA position 1199, A replaced by C.
Protein change: p.Lys400Thr; replaces lysine 400 with threonine.
Molecular consequence: missense variant.
Genome position (GRCh38, 1-based): chr8:144,515,823, T>G on the plus strand (A>C on the coding strand, the complement: RECQL4 is on the minus strand). VCF-style: chr8-144515823-T-G. GRCh37 (hg19) VCF-style: chr8-145741207-T-G.
Other names: short protein forms K400T.
Identifiers: ClinVar variation 863879 (VCV000863879.8), dbSNP rs1489838661, ClinGen allele CA372687559.
Genomic context (GRCh38, chr8:144,515,823, plus strand): 5'-CCTGGCCGGGGACACTGGGCTGCCCAGTGATCGAACTGCTCGTTCAGGAAACAAGACTCC[T>G]TGGTTGTGACTGTGGCACCACCACCCCCAAAACACTCCCCTTTCTTCCGCCACTTCTGCT-3'
Protein context (NP_004251.4, residues 390-410): FGGGGATVTT[Lys400Thr]ESCFLNEQFD